The following is an entry in ClinVar:

ClinVar aggregate classification (germline): Uncertain significance. Review status: criteria provided, single submitter (1 of 4 stars). 2 submissions from 1 submitter: Uncertain significance (1). 1 of the submissions does not count toward it. Last evaluated 2020-06-03.

Submissions (2):

GeneDx
Classification: Uncertain significance. Last evaluated: 2020-06-03. Review status: criteria provided, single submitter. Criteria: GeneDx Variant Classification Process June 2021. Collection method: clinical testing. Allele origin: germline. Affected: yes.
Comment: Not observed in large population cohorts (Lek et al., 2016); In silico analysis supports that this missense variant does not alter protein structure/function; Has not been previously published as pathogenic or benign to our knowledge

GeneDx
Classification: Uncertain significance. Last evaluated: 2016-12-08. Review status: flagged submission. Criteria: GeneDx Variant Classification (06012015). Collection method: clinical testing. Allele origin: germline. Affected: yes. Not counted in ClinVar's aggregate classification.
Comment: The S629R variant in the HECW2 gene has not been reported previously as a pathogenic variant, nor as a benign variant, to our knowledge. The S629R variant was not observed in approximately 6500 individuals of European and African American ancestry in the NHLBI Exome Sequencing Project, indicating it is not a common benign variant in these populations. The S629R variant is a semi-conservative amino acid substitution, which may impact secondary protein structure as these residues differ in some properties. This substitution occurs at a position that is conserved in mammals. In silico analysis is inconsistent in its predictions as to whether or not the variant is damaging to the protein structure/function. We interpret S629R as a variant of uncertain significance.
ClinVar note: Reason: This record appears to be redundant with a more recent record from the same submitter.
ClinVar note: Notes: SCV000492055 appears to be redundant with SCV001987931.

NM_001348768.2(HECW2):c.1887C>G (p.Ser629Arg)

Gene: HECW2 (HECT, C2 and WW domain containing E3 ubiquitin protein ligase 2; minus strand). Cytogenetic location: 2q32.3.
Variant type: single nucleotide variant.
Coding change: c.1887C>G on transcript NM_001348768.2 (MANE Select); coding-DNA position 1887, C replaced by G.
Protein change: p.Ser629Arg; replaces serine 629 with arginine.
Molecular consequence: missense variant.
Genome position (GRCh38, 1-based): chr2:196,319,003, G>C on the plus strand (C>G on the coding strand, the complement: HECW2 is on the minus strand). VCF-style: chr2-196319003-G-C. GRCh37 (hg19) VCF-style: chr2-197183727-G-C.
Other names: c.819C>G, p.Ser273Arg (NM_001304840.3); c.1887C>G, p.Ser629Arg (NM_020760.4); short protein forms S629R, S273R.
Identifiers: ClinVar variation 373463 (VCV000373463.3), dbSNP rs1057518434, ClinGen allele CA16042380.